The following is an entry in ClinVar:

NM_032656.4(DHX37):c.2666G>A (p.Arg889Gln)

Gene: DHX37 (DEAH-box helicase 37; minus strand). Cytogenetic location: 12q24.31.
Variant type: single nucleotide variant.
Coding change: c.2666G>A on transcript NM_032656.4 (MANE Select); coding-DNA position 2666, G replaced by A.
Protein change: p.Arg889Gln; replaces arginine 889 with glutamine.
Molecular consequence: missense variant.
Genome position (GRCh38, 1-based): chr12:124,953,909, C>T on the plus strand (G>A on the coding strand, the complement: DHX37 is on the minus strand). VCF-style: chr12-124953909-C-T. GRCh37 (hg19) VCF-style: chr12-125438455-C-T.
Other names: short protein forms R889Q.
Identifiers: ClinVar variation 2401228 (VCV002401228.6), dbSNP rs774485225, ClinGen allele CA6871553.

ClinVar aggregate classification (germline): Uncertain significance. Review status: criteria provided, multiple submitters, no conflicts (2 of 4 stars). 3 submissions from 3 submitters: Uncertain significance (3). Last evaluated 2025-08-31.

Conditions:
Inborn genetic diseases. Identifiers: MedGen C0950123, MeSH D030342.
Neurodevelopmental disorder with brain anomalies and with or without vertebral or cardiac anomalies. Identifiers: MedGen C5231481, MONDO:0032888, OMIM 618731.

Allele frequency attached by ClinVar (database versions not stated): gnomAD 0.00005; gnomAD exomes 0.00005; TOPMed 0.00005; ExAC 0.00006.
gnomAD v4.1: 74 of 1,612,038 alleles (0.0046%); highest among the groups gnomAD compares: Middle Eastern, 0.033%; no homozygotes.

Submissions (3):

Ambry Genetics
Classification: Uncertain significance for Inborn genetic diseases. Last evaluated: 2025-08-31. Review status: criteria provided, single submitter. Criteria: Ambry Variant Classification Scheme 2023. Collection method: clinical testing. Allele origin: germline.

Labcorp Genetics (formerly Invitae), Labcorp
Classification: Uncertain significance. Last evaluated: 2024-04-02. Review status: criteria provided, single submitter. Criteria: Invitae Variant Classification Sherloc (09022015). Collection method: clinical testing. Allele origin: germline.
Comment: This sequence change replaces arginine, which is basic and polar, with glutamine, which is neutral and polar, at codon 889 of the DHX37 protein (p.Arg889Gln). This variant is present in population databases (rs774485225, gnomAD 0.02%). This variant has not been reported in the literature in individuals affected with DHX37-related conditions. ClinVar contains an entry for this variant (Variation ID: 2401228). Advanced modeling of protein sequence and biophysical properties (such as structural, functional, and spatial information, amino acid conservation, physicochemical variation, residue mobility, and thermodynamic stability) performed at Invitae indicates that this missense variant is not expected to disrupt DHX37 protein function with a negative predictive value of 80%. In summary, the available evidence is currently insufficient to determine the role of this variant in disease. Therefore, it has been classified as a Variant of Uncertain Significance.

Victorian Clinical Genetics Services, Murdoch Childrens Research Institute
Classification: Uncertain significance for Neurodevelopmental disorder with brain anomalies and with or without vertebral or cardiac anomalies. Last evaluated: 2021-05-06. Review status: criteria provided, single submitter. Criteria: ACMG Guidelines, 2015. Collection method: clinical testing. Allele origin: germline. Inheritance: Autosomal recessive inheritance.
Comment: Based on the classification scheme VCGS_Germline_v1.3.4, this variant is classified as VUS-3B. Following criteria are met: 0105 - The mechanism of disease for this gene is not clearly established. However, loss of function is suspected for autosomal recessive neurodevelopmental disorder with brain anomalies and with or without vertebral or cardiac anomalies (MIM#618731). (I) 0108 - This gene is associated with both recessive and dominant disease. There is no genotype-phenotype correlation between autosomal dominant 46, XY sex reversal 11 (MIM#273250) and autosomal recessive neurodevelopmental disorder with brain anomalies with or without vertebral or cardiac anomalies (MIM#618731), with only missense variants reported for both conditions. However, missense variants that cause sex reversal are enriched within the helicase core region, and RecA1 and RecA2 domains (PMID: 31256877, PMID: 31337883). (I) 0200 - Variant is predicted to result in a missense amino acid change from arginine to glutamine. (I) 0251 - This variant is heterozygous. (I) 0304 - Variant is present in gnomAD (v2) <0.01 for a recessive condition (19 heterozygotes, 0 homozygotes). (SP) 0309 - An alternative amino acid change at the same position has been observed in gnomAD (v2, v3) (4 heterozygotes, 0 homozygotes). (I) 0504 - Same amino acid change has been observed in placental mammals. (I) 0600 - Variant is located in the annotated HrpA domain (NCBI). (I) 0705 - No comparable missense variants have previous evidence for pathogenicity. (I) 0807 - This variant has no previous evidence of pathogenicity. (I) 0905 - No published segregation evidence has been identified for this variant. (I) 1007 - No published functional evidence has been identified for this variant. (I) 1205 - This variant has been shown to be maternally inherited by an external research laboratory. (I) Legend: (SP) - Supporting pathogenic, (I) - Information, (SB) - Supporting benign

Literature cited by the submitters: PubMed 31256877 (cited by Victorian Clinical Genetics Services, Murdoch Childrens Research Institute); PubMed 31337883 (cited by Victorian Clinical Genetics Services, Murdoch Childrens Research Institute).